The following is an entry in ClinVar:

ClinVar aggregate classification (germline): Pathogenic/Likely pathogenic. Review status: criteria provided, multiple submitters, no conflicts (2 of 4 stars). 2 submissions from 2 submitters: Pathogenic (1); Likely pathogenic (1). Last evaluated 2026-04-25.

Conditions:
Hermansky-Pudlak syndrome 1 (HPS1). Also called: DELTA STORAGE POOL DISEASE. Identifiers: Orphanet 231500, Orphanet 79430, MedGen C2931875, MONDO:0008748, OMIM 203300.

Allele frequency attached by ClinVar (database versions not stated): gnomAD exomes below 0.00001.
gnomAD v4.1: 1 of 1,552,616 alleles (0.000064%); highest among the groups gnomAD compares: African/African-American, 0.0014%; no homozygotes.

Submissions (2):

Myriad Genetics, Inc.
Classification: Pathogenic for Hermansky-Pudlak syndrome 1. Last evaluated: 2026-04-25. Review status: criteria provided, single submitter. Criteria: Myriad Autosomal Dominant, Autosomal Recessive and X-Linked Classification Criteria (2023). Collection method: clinical testing. Allele origin: unknown.
Comment: NM_000195.3(HPS1):c.437G>A(W146*) is expected to be pathogenic in the context of Hermansky-Pudlak syndrome, HPS1-related. This variant is predicted to lead to an abnormal or absent protein product due to the creation of a premature termination codon in HPS1, a gene where loss-of-function variants are known to be pathogenic. Please note: this variant was assessed in the context of healthy population screening.

Revvity Omics, Revvity
Classification: Likely pathogenic for Hermansky-Pudlak syndrome 1. Last evaluated: 2021-12-23. Review status: criteria provided, single submitter. Criteria: ACMG Guidelines, 2015. Collection method: clinical testing. Allele origin: germline.

NM_000195.5(HPS1):c.437G>A (p.Trp146Ter)

Gene: HPS1 (HPS1 biogenesis of lysosomal organelles complex 3 subunit 1; minus strand). Cytogenetic location: 10q24.2.
Variant type: single nucleotide variant.
Coding change: c.437G>A on transcript NM_000195.5 (MANE Select); coding-DNA position 437, G replaced by A.
Protein change: p.Trp146Ter; replaces tryptophan 146 with a stop codon.
Molecular consequence: nonsense. On other transcripts: 5 prime UTR variant (3), synonymous variant (3).
Genome position (GRCh38, 1-based): chr10:98,434,053, C>T on the plus strand (G>A on the coding strand, the complement: HPS1 is on the minus strand). VCF-style: chr10-98434053-C-T. GRCh37 (hg19) VCF-style: chr10-100193810-C-T.
Other names: c.-480G>A (NM_001311345.2, NM_001322489.2); c.437G>A, p.Trp146Ter (NM_001322476.2, NM_001322477.2, NM_001322478.2 and 5 more transcripts); c.294G>A, p.Val98= (NM_001322480.2, NM_001322481.2, NM_001322482.2); c.68G>A, p.Trp23Ter (NM_001322483.2, NM_001322484.2, NM_001322485.2); c.-579G>A (NM_001322487.2); short protein forms W146*, W23*.
Identifiers: ClinVar variation 2440747 (VCV002440747.4), dbSNP rs2538967454, ClinGen allele CA378053992.